The following is an entry in ClinVar:

NM_007347.5(AP4E1):c.943+2_943+3delinsCC

Gene: AP4E1 (adaptor related protein complex 4 subunit epsilon 1; plus strand). Cytogenetic location: 15q21.2.
Variant type: Indel.
Coding change: c.943+2_943+3delinsCC on transcript NM_007347.5 (MANE Select); the canonical splice donor site of the intron after coding-DNA position 943 through 3 bases into the intron after coding-DNA position 943, TA replaced by CC.
Molecular consequence: splice donor variant.
Genome position (GRCh38, 1-based): chr15:50,934,699-50,934,700, TA replaced by CC. VCF-style: chr15-50934699-TA-CC. GRCh37 (hg19) VCF-style: chr15-51226896-TA-CC.
Other names: c.718+2_718+3delinsCC (NM_001252127.2).
Identifiers: ClinVar variation 3644058 (VCV003644058.2).
Genomic context (GRCh38, chr15:50,934,699, plus strand): 5'-GTATGATGTTCTTGATGAATCCTTACGAAGAGCTGAGTTAAATCACAATGTCACATATGG[TA>CC]GGTAATATATGTAAATATTACTCTAATGACTAATAATGTTTTTTAGTATTGCAGTTAAAT-3'

ClinVar aggregate classification (germline): Likely pathogenic (1 of 4 stars; one submission).

Conditions:
Spastic paraplegia. Identifiers: MedGen C0037772, HP:0001258.

Submission:

Labcorp Genetics (formerly Invitae), Labcorp
Classification: Likely pathogenic for Spastic paraplegia. Last evaluated: 2024-05-23. Review status: criteria provided, single submitter. Criteria: Invitae Variant Classification Sherloc (09022015). Collection method: clinical testing. Allele origin: germline.
Comment: This variant results in the deletion of part of exon 8 (c.942_943+3delinsCC) of the AP4E1 gene. It is expected to disrupt RNA splicing. Variants that disrupt the donor or acceptor splice site typically lead to a loss of protein function (PMID: 16199547), and loss-of-function variants in AP4E1 are known to be pathogenic (PMID: 21620353, 21937992, 23472171). Information on the frequency of this variant in the gnomAD database is not available, as this variant may be reported differently in the database. This variant has not been reported in the literature in individuals affected with AP4E1-related conditions. In summary, the currently available evidence indicates that the variant is pathogenic, but additional data are needed to prove that conclusively. Therefore, this variant has been classified as Likely Pathogenic.

Literature cited by the submitters: PubMed 16199547; PubMed 21620353; PubMed 21937992; PubMed 23472171.